The following is an entry in ClinVar:

ClinVar aggregate classification (germline): Uncertain significance. Review status: criteria provided, multiple submitters, no conflicts (2 of 4 stars). 2 submissions from 2 submitters: Uncertain significance (2). Last evaluated 2025-09-10.

Conditions:
Hypertrophic cardiomyopathy. Also called: HYPERTROPHIC MYOCARDIOPATHY. Identifiers: Orphanet 217569, MedGen C0007194, MeSH D002312, MONDO:0005045, HP:0001639.
Cardiomyopathy (CMYO). Also called: Cardiomyopathies. Identifiers: Orphanet 167848, MedGen C0878544, MONDO:0004994, HP:0001638. Inheritance: Various modes of inheritance.

Allele frequency attached by ClinVar (database versions not stated): gnomAD exomes below 0.00001.

Submissions (2):

Color Diagnostics, LLC DBA Color Health
Classification: Uncertain significance for Cardiomyopathy. Last evaluated: 2025-09-10. Review status: criteria provided, single submitter. Criteria: ACMG Guidelines, 2015. Collection method: clinical testing. Allele origin: germline.
Comment: This variant causes a single nucleotide substitution at -4 position in the 5' untranslated region of the TNNI3 gene. To our knowledge, functional studies have not been reported for this variant. This variant has not been reported in individuals affected with TNNI3-related disorders in the literature. This variant has not been identified in the general population by the Genome Aggregation Database (gnomAD). The available evidence is insufficient to determine the role of this variant in disease conclusively. Therefore, this variant is classified as a Variant of Uncertain Significance.

All of Us Research Program, National Institutes of Health
Classification: Uncertain significance for Hypertrophic cardiomyopathy. Last evaluated: 2023-12-01. Review status: criteria provided, single submitter. Criteria: ACMG Guidelines, 2015. Collection method: clinical testing. Allele origin: germline. Inheritance: Autosomal dominant inheritance. Observed: 2 variant alleles, 2 heterozygotes.
Comment: This variant is located in the 5' untranslated region of the TNNI3 gene. To our knowledge, functional studies have not been reported for this variant. This variant has not been reported in individuals affected with TNNI3-related disorders in the literature. This variant has not been identified in the general population by the Genome Aggregation Database (gnomAD). The available evidence is insufficient to determine the role of this variant in disease conclusively. Therefore, this variant is classified as a Variant of Uncertain Significance.

This study involves interpretation of variants in research participants for the purpose of population health screening. Participant phenotype was not available at the time of variant classification. Additional details can be found in publication PMID: 35346344, PMCID: PMC8962531

NM_000363.5(TNNI3):c.-4C>T

Gene: TNNI3 (troponin I3, cardiac type; minus strand). Cytogenetic location: 19q13.42.
Variant type: single nucleotide variant.
Coding change: c.-4C>T on transcript NM_000363.5 (MANE Select); 4 bases upstream of the start codon, C replaced by T.
Molecular consequence: 5 prime UTR variant.
Genome position (GRCh38, 1-based): chr19:55,157,593, G>A on the plus strand (C>T on the coding strand, the complement: TNNI3 is on the minus strand). VCF-style: chr19-55157593-G-A. GRCh37 (hg19) VCF-style: chr19-55668961-G-A.
Identifiers: ClinVar variation 3072922 (VCV003072922.2), dbSNP rs2085744340, ClinGen allele CA2343275954.